The following is an entry in ClinVar:

ClinVar aggregate classification (germline): Pathogenic. Review status: criteria provided, multiple submitters, no conflicts (2 of 4 stars). 2 submissions from 2 submitters: Pathogenic (2). Last evaluated 2023-10-07.

Conditions:
ALG6-congenital disorder of glycosylation 1C (CDG1C). Also called: CARBOHYDRATE-DEFICIENT GLYCOPROTEIN SYNDROME, TYPE I, WITH DEFICIENT GLYCOSYLATION OF DOLICHOL-LINKED OLIGOSACCHARIDE; CARBOHYDRATE-DEFICIENT GLYCOPROTEIN SYNDROME, TYPE V; Congenital disorder of glycosylation type 1C; CDG Ic; Congenital disorder of glycosylation, type Ic. Identifiers: Orphanet 79320, MedGen C2930997, MONDO:0011291, OMIM 603147.

Submissions (2):

Myriad Genetics, Inc.
Classification: Pathogenic for ALG6-congenital disorder of glycosylation 1C. Last evaluated: 2023-10-07. Review status: criteria provided, single submitter. Criteria: Myriad Autosomal Dominant, Autosomal Recessive and X-Linked Classification Criteria (2023). Collection method: clinical testing. Allele origin: unknown.
Comment: NM_013339.3(ALG6):c.171T>G(Y57*) is expected to be pathogenic in the context of congenital disorder of glycosylation, ALG6-related. This variant is predicted to lead to an abnormal or absent protein product due to the creation of a premature termination codon in ALG6, a gene where loss-of-function variants are known to be pathogenic. Please note: this variant was assessed in the context of healthy population screening.

Labcorp Genetics (formerly Invitae), Labcorp
Classification: Pathogenic for ALG6-congenital disorder of glycosylation 1C. Last evaluated: 2021-10-27. Review status: criteria provided, single submitter. Criteria: Invitae Variant Classification Sherloc (09022015). Collection method: clinical testing. Allele origin: germline.
Comment: Algorithms developed to predict the effect of sequence changes on RNA splicing suggest that this variant may create or strengthen a splice site. This premature translational stop signal has been observed in individual(s) with congenital disorder of glycosylation (PMID: 15771971). This variant is not present in population databases (gnomAD no frequency). This sequence change creates a premature translational stop signal (p.Tyr57*) in the ALG6 gene. It is expected to result in an absent or disrupted protein product. Loss-of-function variants in ALG6 are known to be pathogenic (PMID: 19862844). For these reasons, this variant has been classified as Pathogenic.

Literature cited by the submitters: PubMed 15771971 (cited by Labcorp Genetics (formerly Invitae), Labcorp); PubMed 19862844 (cited by Labcorp Genetics (formerly Invitae), Labcorp).

NM_013339.4(ALG6):c.171T>G (p.Tyr57Ter)

Gene: ALG6 (ALG6 alpha-1,3-glucosyltransferase; plus strand). Cytogenetic location: 1p31.3.
Variant type: single nucleotide variant.
Coding change: c.171T>G on transcript NM_013339.4 (MANE Select); coding-DNA position 171, T replaced by G.
Protein change: p.Tyr57Ter; replaces tyrosine 57 with a stop codon.
Molecular consequence: nonsense.
Genome position (GRCh38, 1-based): chr1:63,402,257, T>G. VCF-style: chr1-63402257-T-G. GRCh37 (hg19) VCF-style: chr1-63867928-T-G.
Other names: short protein forms Y57*.
Identifiers: ClinVar variation 1405663 (VCV001405663.7), dbSNP rs780528545, ClinGen allele CA340634037.